The following is an entry in ClinVar:

NM_020999.4(NEUROG3):c.-1-9C>T

Gene: NEUROG3 (neurogenin 3; minus strand). Cytogenetic location: 10q22.1.
Variant type: single nucleotide variant.
Coding change: c.-1-9C>T on transcript NM_020999.4 (MANE Select); 9 bases into the intron before 1 bases upstream of the start codon, C replaced by T.
Molecular consequence: intron variant.
Genome position (GRCh38, 1-based): chr10:69,573,053, G>A on the plus strand (C>T on the coding strand, the complement: NEUROG3 is on the minus strand). VCF-style: chr10-69573053-G-A. GRCh37 (hg19) VCF-style: chr10-71332809-G-A.
Identifiers: ClinVar variation 3036916 (VCV003036916.3), dbSNP rs375093643, ClinGen allele CA5533809.
Genomic context (GRCh38, chr10:69,573,053, plus strand): 5'-CGTCTCACGGGTCACTTGGACAGTGGGCGCACCCGAGGGTTGAGGCGTCATCCTACGGCG[G>A]GGTCAGAGGGAAGGGTAAGTTTGAGTCCGTCACTGGGCGCAGTCCGCGATTCCGAGGCTA-3'

ClinVar aggregate classification (germline): Likely benign. Review status: criteria provided, single submitter (1 of 4 stars). 2 submissions from 2 submitters: Likely benign (1). 1 of the submissions does not count toward it. Last evaluated 2023-10-04.

Conditions:
NEUROG3-related disorder. Also called: NEUROG3-related condition.

Allele frequency attached by ClinVar (database versions not stated): TOPMed 0.00005; gnomAD 0.00037; gnomAD exomes 0.00039; ExAC 0.00107; 1000 Genomes Project 0.00240; 1000 Genomes Project 30x 0.00250.

Submissions (2):

Blueprint Genetics
Classification: Likely benign. Last evaluated: 2023-10-04. Review status: criteria provided, single submitter. Criteria: ACMG Guidelines, 2015. Collection method: clinical testing. Allele origin: germline.

PreventionGenetics, part of Exact Sciences
Classification: Benign for NEUROG3-related condition. Last evaluated: 2020-02-07. Review status: no assertion criteria provided. Collection method: clinical testing. Allele origin: germline. Not counted in ClinVar's aggregate classification.
Comment: This variant is classified as benign based on ACMG/AMP sequence variant interpretation guidelines (Richards et al. 2015 PMID: 25741868, with internal and published modifications).